The following is an entry in ClinVar:

NM_005559.4(LAMA1):c.5481A>G (p.Val1827=)

Gene: LAMA1 (laminin subunit alpha 1; minus strand). Cytogenetic location: 18p11.31.
Variant type: single nucleotide variant.
Coding change: c.5481A>G on transcript NM_005559.4 (MANE Select); coding-DNA position 5481, A replaced by G.
Protein change: p.Val1827=; no amino-acid change (valine 1827 retained).
Molecular consequence: synonymous variant.
Genome position (GRCh38, 1-based): chr18:6,985,542, T>C on the plus strand (A>G on the coding strand, the complement: LAMA1 is on the minus strand). VCF-style: chr18-6985542-T-C. GRCh37 (hg19) VCF-style: chr18-6985541-T-C.
Other names: p.Val1827=.
Identifiers: ClinVar variation 781353 (VCV000781353.44), dbSNP rs138711280, ClinGen allele CA8881591.

ClinVar aggregate classification (germline): Benign/Likely benign. Review status: criteria provided, multiple submitters, no conflicts (2 of 4 stars). 5 submissions from 5 submitters: Benign (2); Likely benign (3). Last evaluated 2026-06-01.

Conditions:
Ataxia - intellectual disability - oculomotor apraxia - cerebellar cysts syndrome. Also called: Poretti-Boltshauser syndrome. Identifiers: Orphanet 370022, MedGen C4014821, MONDO:0014419, OMIM 615960.

Allele frequency attached by ClinVar (database versions not stated): gnomAD 0.00196 and 0.00201; ExAC 0.00213; gnomAD exomes 0.00222 and 0.00244; 1000 Genomes Project 30x 0.00062; 1000 Genomes Project 0.00080; TOPMed 0.00130; ESP Exome Variant Server 0.00192.
gnomAD v4.1: 3,839 of 1,614,066 alleles (0.24%); highest among the groups gnomAD compares: Non-Finnish European, 0.25%; 11 homozygotes.

Submissions (5):

CeGaT Center for Human Genetics Tuebingen
Classification: Likely benign. Last evaluated: 2026-06-01. Review status: criteria provided, single submitter. Criteria: CeGaT Center For Human Genetics Tuebingen Variant Classification Criteria Version 2. Collection method: clinical testing. Allele origin: germline. Affected: yes. Observed: 18 variant alleles.
Comment: LAMA1: BP4, BP7

Labcorp Genetics (formerly Invitae), Labcorp
Classification: Benign. Last evaluated: 2026-01-14. Review status: criteria provided, single submitter. Criteria: Invitae Variant Classification Sherloc (09022015). Collection method: clinical testing. Allele origin: germline.

Blueprint Genetics
Classification: Likely benign. Last evaluated: 2024-11-27. Review status: criteria provided, single submitter. Criteria: ACMG Guidelines, 2015. Collection method: clinical testing. Allele origin: germline.

Mayo Clinic Laboratories, Mayo Clinic
Classification: Benign. Last evaluated: 2022-12-23. Review status: criteria provided, single submitter. Criteria: ACMG Guidelines, 2015. Collection method: clinical testing. Allele origin: germline. Observed: 2 variant alleles.

Fulgent Genetics
Classification: Likely benign for Ataxia - intellectual disability - oculomotor apraxia - cerebellar cysts syndrome. Last evaluated: 2021-12-30. Review status: criteria provided, single submitter. Criteria: ACMG Guidelines, 2015. Collection method: clinical testing. Allele origin: unknown.